The following is an entry in ClinVar:

ClinVar aggregate classification (germline): Likely benign. Review status: criteria provided, multiple submitters, no conflicts (2 of 4 stars). 7 submissions from 7 submitters: Likely benign (6). 1 of the submissions does not count toward it. Last evaluated 2026-02-01.

Conditions:
EVC-related disorder. Also called: EVC-related condition; EVC-related disorders.
Curry-Hall syndrome (WAD). Also called: WEYERS ACRODENTAL DYSOSTOSIS. Identifiers: Orphanet 952, MedGen C0457013, MONDO:0008673, OMIM 193530.
Ellis-van Creveld syndrome (EVC). Also called: MESOECTODERMAL DYSPLASIA; Chondroectodermal dysplasia. Identifiers: Orphanet 289, MedGen C0013903, MONDO:0009162, OMIM 225500.

Allele frequency attached by ClinVar (database versions not stated): gnomAD exomes 0.00054; ExAC 0.00066; 1000 Genomes Project 0.00140; 1000 Genomes Project 30x 0.00141; gnomAD 0.00221 and 0.00243; TOPMed 0.00232; ESP Exome Variant Server 0.00261.
gnomAD v4.1: 654 of 1,614,100 alleles (0.041%); highest among the groups gnomAD compares: African/African-American, 0.75%; 3 homozygotes.

Submissions (7):

Labcorp Genetics (formerly Invitae), Labcorp
Classification: Likely benign for Curry-Hall syndrome; Ellis-van Creveld syndrome. Last evaluated: 2026-02-01. Review status: criteria provided, single submitter. Criteria: Invitae Variant Classification Sherloc (09022015). Collection method: clinical testing. Allele origin: germline.

Women's Health and Genetics/Laboratory Corporation of America, LabCorp
Classification: Likely benign. Last evaluated: 2025-07-01. Review status: criteria provided, single submitter. Criteria: LabCorp Variant Classification Summary - May 2015. Collection method: clinical testing. Allele origin: germline.
Comment: Variant summary: EVC c.532G>A (p.Val178Ile) results in a conservative amino acid change in the encoded protein sequence. Algorithms developed to predict the effect of missense changes on protein structure and function all suggest that this variant is likely to be tolerated. The variant allele was found at a frequency of 0.00054 in 251304 control chromosomes, predominantly at a frequency of 0.007 within the African or African-American subpopulation in the gnomAD database. The observed variant frequency within African or African-American control individuals in the gnomAD database exceeds the estimated maximal expected allele frequency for a pathogenic variant in EVC causing Ellis-van Creveld syndrome phenotype. To our knowledge, no occurrence of c.532G>A in individuals affected with Ellis-van Creveld syndrome and no experimental evidence demonstrating its impact on protein function have been reported. ClinVar contains an entry for this variant (Variation ID: 349110). Based on the evidence outlined above, the variant was classified as likely benign.

Blueprint Genetics
Classification: Likely benign. Last evaluated: 2024-10-18. Review status: criteria provided, single submitter. Criteria: ACMG Guidelines, 2015. Collection method: clinical testing. Allele origin: germline.

ARUP Laboratories, Molecular Genetics and Genomics, ARUP Laboratories
Classification: Likely benign. Last evaluated: 2024-08-13. Review status: criteria provided, single submitter. Criteria: ARUP Molecular Germline Variant Investigation Process 2024. Collection method: clinical testing. Allele origin: germline.

GeneDx
Classification: Likely benign. Last evaluated: 2020-04-27. Review status: criteria provided, single submitter. Criteria: GeneDx Variant Classification Process June 2021. Collection method: clinical testing. Allele origin: germline. Affected: yes.

Illumina Laboratory Services, Illumina
Classification: Likely benign for Ellis-van Creveld syndrome. Last evaluated: 2018-01-13. Review status: criteria provided, single submitter. Criteria: ICSL Variant Classification Criteria 13 December 2019. Collection method: clinical testing. Allele origin: germline.
Comment: This variant was observed in the ICSL laboratory as part of a predisposition screen in an ostensibly healthy population. It had not been previously curated by ICSL or reported in the Human Gene Mutation Database (HGMD: prior to June 1st, 2018), and was therefore a candidate for classification through an automated scoring system. Utilizing variant allele frequency, disease prevalence and penetrance estimates, and inheritance mode, an automated score was calculated to assess if this variant is too frequent to cause the disease. Based on the score and internal cut-off values, a variant classified as likely benign is not then subjected to further curation. The score for this variant resulted in a classification of likely benign for this disease.

PreventionGenetics, part of Exact Sciences
Classification: Benign for EVC-related condition. Last evaluated: 2019-05-23. Review status: no assertion criteria provided. Collection method: clinical testing. Allele origin: germline. Not counted in ClinVar's aggregate classification.
Comment: This variant is classified as benign based on ACMG/AMP sequence variant interpretation guidelines (Richards et al. 2015 PMID: 25741868, with internal and published modifications).

NM_153717.3(EVC):c.532G>A (p.Val178Ile)

Gene: EVC (EvC ciliary complex subunit 1; plus strand). Cytogenetic location: 4p16.2.
Variant type: single nucleotide variant.
Coding change: c.532G>A on transcript NM_153717.3 (MANE Select); coding-DNA position 532, G replaced by A.
Protein change: p.Val178Ile; replaces valine 178 with isoleucine.
Molecular consequence: missense variant.
Genome position (GRCh38, 1-based): chr4:5,731,572, G>A. VCF-style: chr4-5731572-G-A. GRCh37 (hg19) VCF-style: chr4-5733299-G-A.
Other names: c.532G>A, p.Val178Ile (NM_001306090.2, NM_001306092.2); short protein forms V178I.
Identifiers: ClinVar variation 349110 (VCV000349110.25), dbSNP rs144897690, ClinGen allele CA2835729.